The following is an entry in ClinVar:

ClinVar aggregate classification (germline): Uncertain significance (1 of 4 stars; one submission).

Submission:

Labcorp Genetics (formerly Invitae), Labcorp
Classification: Uncertain significance. Last evaluated: 2024-03-15. Review status: criteria provided, single submitter. Criteria: Invitae Variant Classification Sherloc (09022015). Collection method: clinical testing. Allele origin: germline.
Comment: This sequence change creates a premature translational stop signal (p.Gln587*) in the IL23R gene. While this is not anticipated to result in nonsense mediated decay, it is expected to disrupt the last 43 amino acid(s) of the IL23R protein. This variant is not present in population databases (gnomAD no frequency). This variant has not been reported in the literature in individuals affected with IL23R-related conditions. Experimental studies and prediction algorithms are not available or were not evaluated, and the functional significance of this variant is currently unknown. In summary, the available evidence is currently insufficient to determine the role of this variant in disease. Therefore, it has been classified as a Variant of Uncertain Significance.

NM_144701.3(IL23R):c.1759C>T (p.Gln587Ter)

Gene: IL23R (interleukin 23 receptor; plus strand). Cytogenetic location: 1p31.3.
Variant type: single nucleotide variant.
Coding change: c.1759C>T on transcript NM_144701.3 (MANE Select); coding-DNA position 1759, C replaced by T.
Protein change: p.Gln587Ter; replaces glutamine 587 with a stop codon.
Molecular consequence: nonsense.
Genome position (GRCh38, 1-based): chr1:67,258,997, C>T. VCF-style: chr1-67258997-C-T. GRCh37 (hg19) VCF-style: chr1-67724680-C-T.
Other names: short protein forms Q587*.
Identifiers: ClinVar variation 3631527 (VCV003631527.2).